The following is an entry in ClinVar:

NC_000005.10:g.88480873T>G

Gene: MEF2C (myocyte enhancer factor 2C; minus strand). Cytogenetic location: 5q14.3.
Variant type: single nucleotide variant.
Genome position: GRCh38 VCF-style: chr5-88480873-T-G. GRCh37 (hg19) VCF-style: chr5-87776690-T-G.
Identifiers: ClinVar variation 1695133 (VCV001695133.30), dbSNP rs554441006, ClinGen allele CA122581704.

ClinVar aggregate classification (germline): Likely benign (1 of 4 stars; one submission).

Allele frequency attached by ClinVar (database versions not stated): gnomAD 0.00142 and 0.00219; 1000 Genomes Project 0.00739.

Submission:

CeGaT Center for Human Genetics Tuebingen
Classification: Likely benign. Last evaluated: 2026-08-01. Review status: criteria provided, single submitter. Criteria: CeGaT Center For Human Genetics Tuebingen Variant Classification Criteria Version 2. Collection method: clinical testing. Allele origin: germline. Affected: yes. Observed: 24 variant alleles.
Comment: MEF2C: BS1